The following is an entry in ClinVar:

ClinVar aggregate classification (germline): Uncertain significance. Review status: criteria provided, multiple submitters, no conflicts (2 of 4 stars). 3 submissions from 3 submitters: Uncertain significance (3). Last evaluated 2025-11-10.

Conditions:
Hereditary cancer-predisposing syndrome. Also called: Hereditary Cancer Syndrome; Neoplastic Syndromes, Hereditary; Tumor predisposition; Hereditary neoplastic syndrome. Identifiers: Orphanet 140162, MedGen C0027672, MeSH D009386, MONDO:0015356.
Familial cancer of breast. Also called: BREAST CANCER, FAMILIAL; Hereditary breast cancer; hereditary breast carcinoma. Identifiers: Orphanet 227535, MedGen C0346153, MONDO:0016419, OMIM 114480. Disease mechanism: loss of function.

Submissions (3):

Labcorp Genetics (formerly Invitae), Labcorp
Classification: Uncertain significance for Familial cancer of breast. Last evaluated: 2025-11-10. Review status: criteria provided, single submitter. Criteria: Invitae Variant Classification Sherloc (09022015). Collection method: clinical testing. Allele origin: germline.
Comment: This sequence change replaces isoleucine, which is neutral and non-polar, with phenylalanine, which is neutral and non-polar, at codon 143 of the BARD1 protein (p.Ile143Phe). This variant is not present in population databases (gnomAD no frequency). This variant has not been reported in the literature in individuals affected with BARD1-related conditions. ClinVar contains an entry for this variant (Variation ID: 481414). An algorithm developed to predict the effect of missense changes on protein structure and function (PolyPhen-2) suggests that this variant is likely to be tolerated. In summary, the available evidence is currently insufficient to determine the role of this variant in disease. Therefore, it has been classified as a Variant of Uncertain Significance.

Ambry Genetics
Classification: Uncertain significance for Hereditary cancer-predisposing syndrome. Last evaluated: 2024-02-16. Review status: criteria provided, single submitter. Criteria: Ambry Variant Classification Scheme 2023. Collection method: clinical testing. Allele origin: germline.
Comment: The p.I143F variant (also known as c.427A>T), located in coding exon 4 of the BARD1 gene, results from an A to T substitution at nucleotide position 427. The isoleucine at codon 143 is replaced by phenylalanine, an amino acid with highly similar properties. This amino acid position is highly conserved in available vertebrate species. In addition, the in silico prediction for this alteration is inconclusive. Since supporting evidence is limited at this time, the clinical significance of this alteration remains unclear.

Baylor Genetics
Classification: Uncertain significance for Familial cancer of breast. Last evaluated: 2024-01-02. Review status: criteria provided, single submitter. Criteria: ACMG Guidelines, 2015. Collection method: clinical testing. Allele origin: unknown.

NM_000465.4(BARD1):c.427A>T (p.Ile143Phe)

Gene: BARD1 (BRCA1 associated RING domain 1; minus strand). Cytogenetic location: 2q35.
Variant type: single nucleotide variant.
Coding change: c.427A>T on transcript NM_000465.4 (MANE Select); coding-DNA position 427, A replaced by T.
Protein change: p.Ile143Phe; replaces isoleucine 143 with phenylalanine.
Molecular consequence: missense variant. On other transcripts: non-coding transcript variant (2), intron variant (3).
Genome position (GRCh38, 1-based): chr2:214,781,447, T>A on the plus strand (A>T on the coding strand, the complement: BARD1 is on the minus strand). VCF-style: chr2-214781447-T-A. GRCh37 (hg19) VCF-style: chr2-215646171-T-A.
Other names: c.370A>T, p.Ile124Phe (NM_001282543.2); c.158+27965A>T (NM_001282548.2); c.215+15614A>T (NM_001282545.2); c.364+10850A>T (NM_001282549.2); short protein forms I143F, I124F.
Identifiers: ClinVar variation 481414 (VCV000481414.17), dbSNP rs1060501289, ClinGen allele CA350457843.